The following is an entry in ClinVar:

ClinVar aggregate classification (germline): Uncertain significance. Review status: criteria provided, single submitter (1 of 4 stars). 2 submissions from 2 submitters: Uncertain significance (1). 1 of the submissions does not count toward it. Last evaluated 2021-08-31.

Conditions:
Anauxetic dysplasia. Identifiers: Orphanet 93347, MedGen C1846796, MONDO:0011773.
Metaphyseal chondrodysplasia, McKusick type (CHH). Also called: Cartilage-Hair Hypoplasia (CHH); Cartilage-hair hypoplasia. Identifiers: Orphanet 175, MedGen C0220748, MONDO:0009595, OMIM 250250.

Submissions (2):

Labcorp Genetics (formerly Invitae), Labcorp
Classification: Uncertain significance for Anauxetic dysplasia. Last evaluated: 2021-08-31. Review status: criteria provided, single submitter. Criteria: Invitae Variant Classification Sherloc (09022015). Collection method: clinical testing. Allele origin: germline.
Comment: This variant occurs in the RMRP gene, which encodes an RNA molecule that does not result in a protein product. The frequency data for this variant in the population databases is considered unreliable, as metrics indicate insufficient coverage at this position in the ExAC database. This variant has not been reported in the literature in individuals affected with RMRP-related conditions. Experimental studies and prediction algorithms are not available or were not evaluated, and the functional significance of this variant is currently unknown. In summary, the available evidence is currently insufficient to determine the role of this variant in disease. Therefore, it has been classified as a Variant of Uncertain Significance.

Natera, Inc.
Classification: Uncertain significance for Cartilage-hair hypoplasia. Last evaluated: 2020-08-04. Review status: no assertion criteria provided. Collection method: clinical testing. Allele origin: germline. Not counted in ClinVar's aggregate classification.

NR_003051.4(RMRP):n.175G>T

Gene: RMRP (RNA component of mitochondrial RNA processing endoribonuclease; minus strand). Cytogenetic location: 9p13.3.
Variant type: single nucleotide variant.
Genome position: GRCh38 VCF-style: chr9-35657845-C-A. GRCh37 (hg19) VCF-style: chr9-35657842-C-A.
Identifiers: ClinVar variation 856515 (VCV000856515.8), dbSNP rs1823609688, ClinGen allele CA464450639.